The following is an entry in ClinVar:

NM_000092.5(COL4A4):c.191G>A (p.Arg64Gln)

Gene: COL4A4 (collagen type IV alpha 4 chain; minus strand). Cytogenetic location: 2q36.3.
Variant type: single nucleotide variant.
Coding change: c.191G>A on transcript NM_000092.5 (MANE Select); coding-DNA position 191, G replaced by A.
Protein change: p.Arg64Gln; replaces arginine 64 with glutamine.
Molecular consequence: missense variant.
Genome position (GRCh38, 1-based): chr2:227,140,162, C>T on the plus strand (G>A on the coding strand, the complement: COL4A4 is on the minus strand). VCF-style: chr2-227140162-C-T. GRCh37 (hg19) VCF-style: chr2-228004878-C-T.
Other names: short protein forms R64Q.
Identifiers: ClinVar variation 1303901 (VCV001303901.4), dbSNP rs371326070, ClinGen allele CA2145769.

ClinVar aggregate classification (germline): Uncertain significance. Review status: criteria provided, multiple submitters, no conflicts (2 of 4 stars). 2 submissions from 2 submitters: Uncertain significance (2). Last evaluated 2022-02-09.

Conditions:
Autosomal recessive Alport syndrome (ATS2). Also called: COL4A4 Alport Syndrome and Thin Basement Membrane Nephropathy; Alport syndrome type 2; COL4A3-Related Nephropathy; ALPORT SYNDROME 2, AUTOSOMAL RECESSIVE. Identifiers: Orphanet 63, Orphanet 88919, MedGen C4746745, MONDO:0008762, OMIM 203780.
Benign familial hematuria. Also called: thin basement membrane disease. Identifiers: MedGen C0241908, MONDO:0957317.

Allele frequency attached by ClinVar (database versions not stated): gnomAD exomes 0.00002; ExAC 0.00003; gnomAD 0.00006 and 0.00008; ESP Exome Variant Server 0.00033.
gnomAD v4.1: 34 of 1,613,540 alleles (0.0021%); highest among the groups gnomAD compares: African/African-American, 0.023%; no homozygotes.

Submissions (2):

GeneDx
Classification: Uncertain significance. Last evaluated: 2022-02-09. Review status: criteria provided, single submitter. Criteria: GeneDx Variant Classification Process June 2021. Collection method: clinical testing. Allele origin: germline. Affected: yes.
Comment: In silico analysis supports that this missense variant has a deleterious effect on protein structure/function; Has not been previously published as pathogenic or benign to our knowledge

Fulgent Genetics
Classification: Uncertain significance for Hematuria, benign familial, 1; Autosomal recessive Alport syndrome. Last evaluated: 2021-12-09. Review status: criteria provided, single submitter. Criteria: ACMG Guidelines, 2015. Collection method: clinical testing. Allele origin: unknown.